The following is an entry in ClinVar:

ClinVar aggregate classification (germline): Conflicting classifications of pathogenicity. Review status: criteria provided, conflicting classifications (1 of 4 stars). 3 submissions from 3 submitters: Uncertain significance (2); Likely benign (1). Last evaluated 2025-01-03.

Conditions:
Primary ciliary dyskinesia. Also called: Ciliary dyskinesia. Identifiers: Orphanet 244, MedGen C0008780, MONDO:0016575, HP:0012265.

Allele frequency attached by ClinVar (database versions not stated): ExAC 0.00001; gnomAD 0.00001; gnomAD exomes 0.00001; TOPMed 0.00001.
gnomAD v4.1: 9 of 1,614,042 alleles (0.00056%); highest among the groups gnomAD compares: African/African-American, 0.0013%; no homozygotes.

Submissions (3):

Women's Health and Genetics/Laboratory Corporation of America, LabCorp
Classification: Uncertain significance. Last evaluated: 2025-01-03. Review status: criteria provided, single submitter. Criteria: LabCorp Variant Classification Summary - May 2015. Collection method: clinical testing. Allele origin: germline.
Comment: Variant summary: DNAH5 c.6268C>T (p.Arg2090Trp) results in a non-conservative amino acid change in the encoded protein sequence. Four of five in-silico tools predict a damaging effect of the variant on protein function. The variant allele was found at a frequency of 8e-06 in 251174 control chromosomes. The available data on variant occurrences in the general population are insufficient to allow any conclusion about variant significance. c.6268C>T has been reported in the literature in at-least one individual affected with Primary ciliary dyskinesia (Noethe-Menchen_2019). These report(s) do not provide unequivocal conclusions about association of the variant with Primary ciliary dyskinesia 3. To our knowledge, no experimental evidence demonstrating an impact on protein function has been reported. The following publication has been ascertained in the context of this evaluation (PMID: 31638833). ClinVar contains an entry for this variant (Variation ID: 566691). Based on the evidence outlined above, the variant was classified as uncertain significance.

Labcorp Genetics (formerly Invitae), Labcorp
Classification: Likely benign for Primary ciliary dyskinesia. Last evaluated: 2023-12-19. Review status: criteria provided, single submitter. Criteria: Invitae Variant Classification Sherloc (09022015). Collection method: clinical testing. Allele origin: germline.

Ambry Genetics
Classification: Uncertain significance for Primary ciliary dyskinesia. Last evaluated: 2016-12-21. Review status: criteria provided, single submitter. Criteria: Ambry Variant Classification Scheme 2023. Collection method: clinical testing. Allele origin: germline.
Comment: The p.R2090W variant (also known as c.6268C>T), located in coding exon 38 of the DNAH5 gene, results from a C to T substitution at nucleotide position 6268. The arginine at codon 2090 is replaced by tryptophan, an amino acid with dissimilar properties. This amino acid position is highly conserved in available vertebrate species. In addition, the in silico prediction for this alteration is inconclusive. Since supporting evidence is limited at this time, the clinical significance of this alteration remains unclear.

Literature cited by the submitters: PubMed 31638833 (cited by Women's Health and Genetics/Laboratory Corporation of America, LabCorp).

NM_001369.3(DNAH5):c.6268C>T (p.Arg2090Trp)

Gene: DNAH5 (dynein axonemal heavy chain 5; minus strand). Cytogenetic location: 5p15.2.
Variant type: single nucleotide variant.
Coding change: c.6268C>T on transcript NM_001369.3 (MANE Select); coding-DNA position 6268, C replaced by T.
Protein change: p.Arg2090Trp; replaces arginine 2090 with tryptophan.
Molecular consequence: missense variant.
Genome position (GRCh38, 1-based): chr5:13,829,686, G>A on the plus strand (C>T on the coding strand, the complement: DNAH5 is on the minus strand). VCF-style: chr5-13829686-G-A. GRCh37 (hg19) VCF-style: chr5-13829795-G-A.
Other names: short protein forms R2090W.
Identifiers: ClinVar variation 566691 (VCV000566691.10), dbSNP rs774191944, ClinGen allele CA3203437.
Genomic context (GRCh38, chr5:13,829,686, plus strand): 5'-CAGGCACCATCATGGCCACTGAGCGGAAATTAATCTTCAAGTTTTCAGGGAGTTCCTGCC[G>A]TCCGGCATAGCCAGGATTCTAAACAGAAAATAAAGCCCAAGGATGAATGATGCAATCAAG-3'
Protein context (NP_001360.1, residues 2080-2100): FLTMNPGYAG[Arg2090Trp]QELPENLKIN